The following is an entry in ClinVar:

NM_152268.4(PARS2):c.113G>A (p.Arg38Gln)

Gene: PARS2 (prolyl-tRNA synthetase 2, mitochondrial; minus strand). Cytogenetic location: 1p32.3.
Variant type: single nucleotide variant.
Coding change: c.113G>A on transcript NM_152268.4 (MANE Select); coding-DNA position 113, G replaced by A.
Protein change: p.Arg38Gln; replaces arginine 38 with glutamine.
Molecular consequence: missense variant.
Genome position (GRCh38, 1-based): chr1:54,759,049, C>T on the plus strand (G>A on the coding strand, the complement: PARS2 is on the minus strand). VCF-style: chr1-54759049-C-T. GRCh37 (hg19) VCF-style: chr1-55224722-C-T.
Other names: short protein forms R38Q.
Identifiers: ClinVar variation 1036176 (VCV001036176.9), dbSNP rs770472678, ClinGen allele CA869549.

ClinVar aggregate classification (germline): Uncertain significance. Review status: criteria provided, multiple submitters, no conflicts (2 of 4 stars). 2 submissions from 2 submitters: Uncertain significance (2). Last evaluated 2023-05-04.

Allele frequency attached by ClinVar (database versions not stated): ExAC 0.00001; gnomAD 0.00001; gnomAD exomes 0.00001.
gnomAD v4.1: 16 of 1,614,060 alleles (0.00099%); highest among the groups gnomAD compares: Middle Eastern, 0.049%; no homozygotes.

Submissions (2):

Labcorp Genetics (formerly Invitae), Labcorp
Classification: Uncertain significance. Last evaluated: 2023-05-04. Review status: criteria provided, single submitter. Criteria: Invitae Variant Classification Sherloc (09022015). Collection method: clinical testing. Allele origin: germline.
Comment: This variant is present in population databases (rs770472678, gnomAD 0.002%). This variant has not been reported in the literature in individuals affected with PARS2-related conditions. ClinVar contains an entry for this variant (Variation ID: 1036176). Algorithms developed to predict the effect of missense changes on protein structure and function output the following: SIFT: "Not Available"; PolyPhen-2: "Benign"; Align-GVGD: "Not Available". The glutamine amino acid residue is found in multiple mammalian species, which suggests that this missense change does not adversely affect protein function. In summary, the available evidence is currently insufficient to determine the role of this variant in disease. Therefore, it has been classified as a Variant of Uncertain Significance. This sequence change replaces arginine, which is basic and polar, with glutamine, which is neutral and polar, at codon 38 of the PARS2 protein (p.Arg38Gln).

Breakthrough Genomics
Classification: Uncertain significance. Review status: criteria provided, single submitter. Criteria: ACMG Guidelines, 2015. Collection method: not provided. Allele origin: germline. Inheritance: Autosomal recessive inheritance. Affected: yes.